The following is an entry in ClinVar:

NM_012188.5(FOXI1):c.159C>T (p.Gly53=)

Gene: FOXI1 (forkhead box I1; plus strand). Cytogenetic location: 5q35.1.
Variant type: single nucleotide variant.
Coding change: c.159C>T on transcript NM_012188.5 (MANE Select); coding-DNA position 159, C replaced by T.
Protein change: p.Gly53=; no amino-acid change (glycine 53 retained).
Molecular consequence: synonymous variant.
Genome position (GRCh38, 1-based): chr5:170,106,116, C>T. VCF-style: chr5-170106116-C-T. GRCh37 (hg19) VCF-style: chr5-169533120-C-T.
Other names: c.159C>T, p.Gly53= (NM_144769.4).
Identifiers: ClinVar variation 1901824 (VCV001901824.5), dbSNP rs146116253, ClinGen allele CA3554966.

ClinVar aggregate classification (germline): Uncertain significance (1 of 4 stars; one submission).

Allele frequency attached by ClinVar (database versions not stated): gnomAD exomes below 0.00001; ExAC 0.00001; gnomAD 0.00001; TOPMed 0.00001; ESP Exome Variant Server 0.00008.
gnomAD v4.1: 8 of 1,612,188 alleles (0.0005%); highest among the groups gnomAD compares: African/African-American, 0.0067%; no homozygotes.

Submission:

Labcorp Genetics (formerly Invitae), Labcorp
Classification: Uncertain significance. Last evaluated: 2025-06-12. Review status: criteria provided, single submitter. Criteria: Invitae Variant Classification Sherloc (09022015). Collection method: clinical testing. Allele origin: germline.
Comment: This sequence change affects codon 53 of the FOXI1 mRNA. It is a 'silent' change, meaning that it does not change the encoded amino acid sequence of the FOXI1 protein. The frequency data for this variant in the population databases is considered unreliable, as metrics indicate poor data quality at this position in the gnomAD database. This variant has not been reported in the literature in individuals affected with FOXI1-related conditions. ClinVar contains an entry for this variant (Variation ID: 1901824). Algorithms developed to predict the effect of sequence changes on RNA splicing suggest that this variant may create or strengthen a splice site. In summary, the available evidence is currently insufficient to determine the role of this variant in disease. Therefore, it has been classified as a Variant of Uncertain Significance.